The following is an entry in ClinVar:

ClinVar aggregate classification (germline): Likely benign (0 of 4 stars; one submission).

Conditions:
LRRC45-related disorder. Also called: LRRC45-related condition.

Submission:

PreventionGenetics, part of Exact Sciences
Classification: Likely benign for LRRC45-related condition. Last evaluated: 2024-08-18. Review status: no assertion criteria provided. Collection method: clinical testing. Allele origin: germline.
Comment: This variant is classified as likely benign based on ACMG/AMP sequence variant interpretation guidelines (Richards et al. 2015 PMID: 25741868, with internal and published modifications).

NM_144999.4(LRRC45):c.834-3C>T

Gene: LRRC45 (leucine rich repeat containing 45; plus strand). Cytogenetic location: 17q25.3.
Variant type: single nucleotide variant.
Coding change: c.834-3C>T on transcript NM_144999.4 (MANE Select); 3 bases into the intron before coding-DNA position 834, C replaced by T.
Molecular consequence: intron variant.
Genome position (GRCh38, 1-based): chr17:82,027,671, C>T. VCF-style: chr17-82027671-C-T. GRCh37 (hg19) VCF-style: chr17-79985547-C-T.
Identifiers: ClinVar variation 3351326 (VCV003351326.1).